The following is an entry in ClinVar:

ClinVar aggregate classification (germline): Conflicting classifications of pathogenicity. Review status: criteria provided, conflicting classifications (1 of 4 stars). 5 submissions from 5 submitters: Uncertain significance (3); Likely benign (2). Last evaluated 2025-12-14.

Conditions:
Hereditary cancer-predisposing syndrome. Also called: Hereditary Cancer Syndrome; Neoplastic Syndromes, Hereditary; Tumor predisposition; Hereditary neoplastic syndrome. Identifiers: Orphanet 140162, MedGen C0027672, MeSH D009386, MONDO:0015356.
Hereditary breast ovarian cancer syndrome. Also called: Hereditary breast and ovarian cancer syndrome; Hereditary breast and ovarian cancer; Hereditary breast and ovarian cancer syndrome (HBOC); Breast and ovarian cancer; Hereditary breast and/or ovarian cancer syndrome; BRCA1- and BRCA2-Associated Hereditary Breast and Ovarian Cancer. Identifiers: Orphanet 145, MedGen C0677776, MeSH D061325, MONDO:0003582. Disease mechanism: loss of function.

Allele frequency attached by ClinVar (database versions not stated): gnomAD exomes below 0.00001; TOPMed below 0.00001; gnomAD 0.00001.
gnomAD v4.1: 3 of 1,613,972 alleles (0.00019%); highest among the groups gnomAD compares: Non-Finnish European, 0.00025%; no homozygotes.

Submissions (5):

Labcorp Genetics (formerly Invitae), Labcorp
Classification: Uncertain significance for Hereditary breast ovarian cancer syndrome. Last evaluated: 2025-12-14. Review status: criteria provided, single submitter. Criteria: Invitae Variant Classification Sherloc (09022015). Collection method: clinical testing. Allele origin: germline.
Comment: This sequence change replaces leucine, which is neutral and non-polar, with proline, which is neutral and non-polar, at codon 759 of the BRCA2 protein (p.Leu759Pro). This variant is not present in population databases (gnomAD no frequency). This variant has not been reported in the literature in individuals affected with BRCA2-related conditions. ClinVar contains an entry for this variant (Variation ID: 481496). Invitae Evidence Modeling of protein sequence and biophysical properties (such as structural, functional, and spatial information, amino acid conservation, physicochemical variation, residue mobility, and thermodynamic stability) indicates that this missense variant is not expected to disrupt BRCA2 protein function with a negative predictive value of 95%. In summary, the available evidence is currently insufficient to determine the role of this variant in disease. Therefore, it has been classified as a Variant of Uncertain Significance.

Quest Diagnostics Nichols Institute San Juan Capistrano
Classification: Uncertain significance. Last evaluated: 2023-09-06. Review status: criteria provided, single submitter. Criteria: Quest Diagnostics criteria. Collection method: clinical testing. Allele origin: unknown.
Comment: In the published literature, this variant has been reported to be located in a region of the BRCA2 gene that is tolerant to missense sequence changes (PMID: 31911673 (2020)). The frequency of this variant in the general population, 0.0000066 (1/152196 chromosomes (Genome Aggregation Database)), is uninformative in the assessment of its pathogenicity. Analysis of this variant using bioinformatics tools for the prediction of the effect of amino acid changes on protein structure and function yielded predictions that this variant is benign. Based on the available information, we are unable to determine the clinical significance of this variant.

University of Washington Department of Laboratory Medicine, University of Washington
Classification: Likely benign for Hereditary cancer-predisposing syndrome. Last evaluated: 2023-03-23. Review status: criteria provided, single submitter. Criteria: Dines et al. (Genet Med. 2020). Collection method: curation. Allele origin: germline.
Comment: Missense variant in a coldspot region where missense variants are very unlikely to be pathogenic (PMID:31911673).

BRCA2 exon 11 coldspot. Reclassification based on statistical prior probability.

Color Diagnostics, LLC DBA Color Health
Classification: Uncertain significance for Hereditary cancer-predisposing syndrome. Last evaluated: 2022-11-07. Review status: criteria provided, single submitter. Criteria: ACMG Guidelines, 2015. Collection method: clinical testing. Allele origin: germline.
Comment: This missense variant replaces leucine with proline at codon 759 of the BRCA2 protein. Computational prediction suggests that this variant may not impact protein structure and function (internally defined REVEL score threshold <= 0.5, PMID: 27666373). To our knowledge, functional studies have not been reported for this variant. This variant has not been reported in individuals affected with BRCA2-related disorders in the literature. This variant has not been identified in the general population by the Genome Aggregation Database (gnomAD). The available evidence is insufficient to determine the role of this variant in disease conclusively. Therefore, this variant is classified as a Variant of Uncertain Significance.

Ambry Genetics
Classification: Likely benign for Hereditary cancer-predisposing syndrome. Last evaluated: 2022-03-25. Review status: criteria provided, single submitter. Criteria: Ambry Variant Classification Scheme 2023. Collection method: clinical testing. Allele origin: germline.

Literature cited by the submitters: PubMed 31911673 (cited by Quest Diagnostics Nichols Institute San Juan Capistrano).

NM_000059.4(BRCA2):c.2276T>C (p.Leu759Pro)

Gene: BRCA2 (BRCA2 DNA repair associated; plus strand). Cytogenetic location: 13q13.1.
Variant type: single nucleotide variant.
Coding change: c.2276T>C on transcript NM_000059.4 (MANE Select); coding-DNA position 2276, T replaced by C.
Protein change: p.Leu759Pro; replaces leucine 759 with proline.
Molecular consequence: missense variant.
Genome position (GRCh38, 1-based): chr13:32,336,631, T>C. VCF-style: chr13-32336631-T-C. GRCh37 (hg19) VCF-style: chr13-32910768-T-C.
Other names: short protein forms L759P.
Identifiers: ClinVar variation 481496 (VCV000481496.21), dbSNP rs1555282592, ClinGen allele CA387771110.